The following is an entry in ClinVar:

ClinVar aggregate classification (germline): Uncertain significance (1 of 4 stars; one submission).

Conditions:
Catecholaminergic polymorphic ventricular tachycardia 1. Also called: VENTRICULAR TACHYCARDIA, CATECHOLAMINERGIC POLYMORPHIC, 1, WITH OR WITHOUT ATRIAL DYSFUNCTION AND/OR DILATED CARDIOMYOPATHY; RYR2-Related Catecholaminergic Polymorphic Ventricular Tachycardia; VENTRICULAR TACHYCARDIA, STRESS-INDUCED POLYMORPHIC 1. Identifiers: Orphanet 3286, MedGen C1631597, MONDO:0011484, OMIM 604772.

Submission:

Labcorp Genetics (formerly Invitae), Labcorp
Classification: Uncertain significance for Catecholaminergic polymorphic ventricular tachycardia 1. Last evaluated: 2025-09-01. Review status: criteria provided, single submitter. Criteria: Invitae Variant Classification Sherloc (09022015). Collection method: clinical testing. Allele origin: germline.
Comment: This variant, c.1626_1631del, is a complex sequence change that results in the deletion of 2 and insertion of 1 amino acid(s) in the TRDN protein (p.Lys542_Asp544delinsAsn). This variant is not present in population databases (gnomAD no frequency). This variant has not been reported in the literature in individuals affected with TRDN-related conditions. Algorithms developed to predict the effect of sequence changes on RNA splicing suggest that this variant may disrupt the consensus splice site. In summary, the available evidence is currently insufficient to determine the role of this variant in disease. Therefore, it has been classified as a Variant of Uncertain Significance.

NC_000006.12:g.123273008_123273013del

Gene: TRDN (triadin; minus strand). Cytogenetic location: 6q22.31.
Variant type: Deletion.
Genome position: GRCh38 VCF-style: chr6-123273004-GTCTTGT-G. GRCh37 (hg19) VCF-style: chr6-123594149-GTCTTGT-G.
Identifiers: ClinVar variation 4749513 (VCV004749513.1).